The following is an entry in ClinVar:

NM_001374736.1(DST):c.20976C>T (p.Asn6992=)

Gene: DST (dystonin; minus strand). Cytogenetic location: 6p12.1.
Variant type: single nucleotide variant.
Coding change: c.20976C>T on transcript NM_001374736.1 (MANE Select); coding-DNA position 20976, C replaced by T.
Protein change: p.Asn6992=; no amino-acid change (asparagine 6992 retained).
Molecular consequence: synonymous variant.
Genome position (GRCh38, 1-based): chr6:56,487,175, G>A on the plus strand (C>T on the coding strand, the complement: DST is on the minus strand). VCF-style: chr6-56487175-G-A. GRCh37 (hg19) VCF-style: chr6-56351973-G-A.
Other names: c.14619C>T, p.Asn4873= (NM_001144769.5); c.14205C>T, p.Asn4735= (NM_001144770.2); c.20976C>T, p.Asn6992= (NM_001374722.1); c.20016C>T, p.Asn6672= (NM_001374729.1); c.13758C>T, p.Asn4586= (NM_001374730.1); c.21003C>T, p.Asn7001= (NM_001374734.1); c.14085C>T, p.Asn4695= (NM_001386100.1, NM_183380.4); c.13107C>T, p.Asn4369= (NM_015548.5).
Identifiers: ClinVar variation 795681 (VCV000795681.47), dbSNP rs199658821, ClinGen allele CA3866611.

ClinVar aggregate classification (germline): Benign/Likely benign. Review status: criteria provided, multiple submitters, no conflicts (2 of 4 stars). 4 submissions from 4 submitters: Benign (1); Likely benign (2). 1 of the submissions does not count toward it. Last evaluated 2026-01-14.

Conditions:
Hereditary sensory and autonomic neuropathy type 6. Also called: HSAN VI; Neuropathy, hereditary sensory and autonomic, type VI. Identifiers: Orphanet 314381, MedGen C3539003, MONDO:0013839, OMIM 614653.
Epidermolysis bullosa simplex 3, localized or generalized intermediate, with BP230 deficiency (EBS3). Also called: Epidermolysis bullosa simplex, autosomal recessive 2; Epidermolysis bullosa simplex due to BP230 deficiency. Identifiers: Orphanet 412181, MedGen C3809470, MONDO:0014180, OMIM 615425.
DST-related disorder. Also called: DST-related condition; DST-related disorders.

Allele frequency attached by ClinVar (database versions not stated): ESP Exome Variant Server 0.00033; TOPMed 0.00043; 1000 Genomes Project 0.00060; 1000 Genomes Project 30x 0.00062; gnomAD 0.00063 and 0.00064.
gnomAD v4.1: 800 of 1,613,908 alleles (0.05%); highest among the groups gnomAD compares: Admixed American, 0.19%; 1 homozygote.

Submissions (4):

Labcorp Genetics (formerly Invitae), Labcorp
Classification: Benign for Epidermolysis bullosa simplex 3, localized or generalized intermediate, with BP230 deficiency; Hereditary sensory and autonomic neuropathy type 6. Last evaluated: 2026-01-14. Review status: criteria provided, single submitter. Criteria: Invitae Variant Classification Sherloc (09022015). Collection method: clinical testing. Allele origin: germline.

CeGaT Center for Human Genetics Tuebingen
Classification: Likely benign. Last evaluated: 2024-10-01. Review status: criteria provided, single submitter. Criteria: CeGaT Center For Human Genetics Tuebingen Variant Classification Criteria Version 2. Collection method: clinical testing. Allele origin: germline. Affected: yes. Observed: 2 variant alleles.
Comment: DST: BP4, BP7

Blueprint Genetics
Classification: Likely benign. Last evaluated: 2024-09-19. Review status: criteria provided, single submitter. Criteria: ACMG Guidelines, 2015. Collection method: clinical testing. Allele origin: germline.

PreventionGenetics, part of Exact Sciences
Classification: Likely benign for DST-related condition. Last evaluated: 2019-10-28. Review status: no assertion criteria provided. Collection method: clinical testing. Allele origin: germline. Not counted in ClinVar's aggregate classification.
Comment: This variant is classified as likely benign based on ACMG/AMP sequence variant interpretation guidelines (Richards et al. 2015 PMID: 25741868, with internal and published modifications).